The following is an entry in ClinVar:

NM_014236.4(GNPAT):c.1285A>T (p.Lys429Ter)

Gene: GNPAT (glyceronephosphate O-acyltransferase; plus strand). Cytogenetic location: 1q42.2.
Variant type: single nucleotide variant.
Coding change: c.1285A>T on transcript NM_014236.4 (MANE Select); coding-DNA position 1285, A replaced by T.
Protein change: p.Lys429Ter; replaces lysine 429 with a stop codon.
Molecular consequence: nonsense.
Genome position (GRCh38, 1-based): chr1:231,270,763, A>T. VCF-style: chr1-231270763-A-T. GRCh37 (hg19) VCF-style: chr1-231406509-A-T.
Other names: c.1102A>T, p.Lys368Ter (NM_001316350.2); short protein forms K429*, K368*.
Identifiers: ClinVar variation 4736393 (VCV004736393.1).
Genomic context (GRCh38, chr1:231,270,763, plus strand): 5'-CCTAAGACTCCCTGCAGTGACCCATCTTGTTTGAATGAATTGTCTTTGTGTGTAGATAAT[A>T]AACCTGCTGAAGAAGTTGTCCCGGCCAGCATTCTTCTGCATTCCAACATTGCCAGCCTTG-3'

ClinVar aggregate classification (germline): Pathogenic (1 of 4 stars; one submission).

Submission:

Labcorp Genetics (formerly Invitae), Labcorp
Classification: Pathogenic. Last evaluated: 2026-01-28. Review status: criteria provided, single submitter. Criteria: Invitae Variant Classification Sherloc (09022015). Collection method: clinical testing. Allele origin: germline.
Comment: This sequence change creates a premature translational stop signal (p.Lys429*) in the GNPAT gene. It is expected to result in an absent or disrupted protein product. Loss-of-function variants in GNPAT are known to be pathogenic (PMID: 9536089, 21990100). This variant is not present in population databases (gnomAD no frequency). This variant has not been reported in the literature in individuals affected with GNPAT-related conditions. For these reasons, this variant has been classified as Pathogenic.

Literature cited by the submitters: PubMed 9536089; PubMed 21990100.